The following is an entry in ClinVar:

NM_004064.5(CDKN1B):c.407_408dup (p.Pro137fs)

Gene: CDKN1B (cyclin dependent kinase inhibitor 1B; plus strand). Cytogenetic location: 12p13.1.
Variant type: Duplication.
Coding change: c.407_408dup on transcript NM_004064.5 (MANE Select); coding-DNA positions 407 to 408, 2 bases duplicated (AT; older notation c.407_408dupAT).
Protein change: p.Pro137fs; shifts the reading frame from proline 137.
Molecular consequence: frameshift variant.
Genome position (GRCh38, 1-based): chr12:12,718,246-12,718,247, AT duplicated. VCF-style (leftmost placement, unchanged base first): chr12-12718245-G-GAT. GRCh37 (hg19) VCF-style: chr12-12871179-G-GAT.
Other names: short protein forms P137fs.
Identifiers: ClinVar variation 3613673 (VCV003613673.2).

ClinVar aggregate classification (germline): Pathogenic (1 of 4 stars; one submission).

Conditions:
Multiple endocrine neoplasia type 4. Also called: MULTIPLE ENDOCRINE NEOPLASIA, TYPE IV. Identifiers: Orphanet 276152, MedGen C1970712, MONDO:0012552, OMIM 610755.

Submission:

Labcorp Genetics (formerly Invitae), Labcorp
Classification: Pathogenic for Multiple endocrine neoplasia type 4. Last evaluated: 2024-09-12. Review status: criteria provided, single submitter. Criteria: Invitae Variant Classification Sherloc (09022015). Collection method: clinical testing. Allele origin: germline.
Comment: This sequence change creates a premature translational stop signal (p.Pro137Ilefs*9) in the CDKN1B gene. It is expected to result in an absent or disrupted protein product. Loss-of-function variants in CDKN1B are known to be pathogenic (PMID: 17030811, 24819502). This variant is not present in population databases (gnomAD no frequency). This variant has not been reported in the literature in individuals affected with CDKN1B-related conditions. For these reasons, this variant has been classified as Pathogenic.

Literature cited by the submitters: PubMed 17030811; PubMed 24819502.